The following is an entry in ClinVar:

NM_001080453.3(INTS1):c.3000G>T (p.Glu1000Asp)

Gene: INTS1 (integrator complex subunit 1; minus strand). Cytogenetic location: 7p22.3.
Variant type: single nucleotide variant.
Coding change: c.3000G>T on transcript NM_001080453.3 (MANE Select); coding-DNA position 3000, G replaced by T.
Protein change: p.Glu1000Asp; replaces glutamic acid 1000 with aspartic acid.
Molecular consequence: missense variant.
Genome position (GRCh38, 1-based): chr7:1,485,446, C>A on the plus strand (G>T on the coding strand, the complement: INTS1 is on the minus strand). VCF-style: chr7-1485446-C-A. GRCh37 (hg19) VCF-style: chr7-1525082-C-A.
Other names: short protein forms E1000D.
Identifiers: ClinVar variation 4070617 (VCV004070617.1).

ClinVar aggregate classification (germline): Uncertain significance (1 of 4 stars; one submission).

gnomAD v4.1: 5 of 1,612,628 alleles (0.00031%); highest among the groups gnomAD compares: Admixed American, 0.0083%; no homozygotes.

Submission:

GeneDx
Classification: Uncertain significance. Last evaluated: 2025-01-16. Review status: criteria provided, single submitter. Criteria: GeneDx Variant Classification Process June 2021. Collection method: clinical testing. Allele origin: germline. Affected: yes.
Comment: In silico analysis indicates that this missense variant does not alter protein structure/function; Has not been previously published as pathogenic or benign to our knowledge